The following is an entry in ClinVar:

NM_001130009.3(GEN1):c.2179C>T (p.Pro727Ser)

Gene: GEN1 (GEN1 Holliday junction 5' flap endonuclease; plus strand). Cytogenetic location: 2p24.2.
Variant type: single nucleotide variant.
Coding change: c.2179C>T on transcript NM_001130009.3 (MANE Select); coding-DNA position 2179, C replaced by T.
Protein change: p.Pro727Ser; replaces proline 727 with serine.
Molecular consequence: missense variant.
Genome position (GRCh38, 1-based): chr2:17,781,391, C>T. VCF-style: chr2-17781391-C-T. GRCh37 (hg19) VCF-style: chr2-17962658-C-T.
Other names: c.2179C>T, p.Pro727Ser (NM_182625.5); short protein forms P727S.
Identifiers: ClinVar variation 3853594 (VCV003853594.1).

ClinVar aggregate classification (germline): Uncertain significance (1 of 4 stars; one submission).

Submission:

Ambry Genetics
Classification: Uncertain significance. Last evaluated: 2025-02-25. Review status: criteria provided, single submitter. Criteria: Ambry Variant Classification Scheme 2023. Collection method: clinical testing. Allele origin: germline.
Comment: The p.P727S variant (also known as c.2179C>T), located in coding exon 13 of the GEN1 gene, results from a C to T substitution at nucleotide position 2179. The proline at codon 727 is replaced by serine, an amino acid with similar properties. This amino acid position is conserved. In addition, this alteration is predicted to be tolerated by in silico analysis. Based on the available evidence, the clinical significance of this variant remains unclear.